The following is an entry in ClinVar:

ClinVar aggregate classification (germline): Uncertain significance. Review status: criteria provided, multiple submitters, no conflicts (2 of 4 stars). 3 submissions from 3 submitters: Uncertain significance (3). Last evaluated 2025-01-14.

Conditions:
Hereditary cancer-predisposing syndrome. Also called: Tumor predisposition; Neoplastic Syndromes, Hereditary; Hereditary neoplastic syndrome; Hereditary Cancer Syndrome. Identifiers: Orphanet 140162, MedGen C0027672, MeSH D009386, MONDO:0015356.

Submissions (3):

Molecular Diagnostics Laboratory, Catalan Institute of Oncology
Classification: Uncertain significance for Hereditary cancer-predisposing syndrome. Last evaluated: 2025-01-14. Review status: criteria provided, single submitter. Criteria: MMR VCEP Paper Draft V3.1. Collection method: clinical testing. Allele origin: germline.
Comment: PM2_Supporting, BP4 c.3595A>G located in exon 7 of the MSH6 gene, is predicted to result in the substitution of serine by glycine at codon 1199; p.(Ser1199Gly).It is not present in the population database gnomAD v2.1.1, non-cancer dataset (PM2_supporting). Computational tools for this variant suggests no significant impact on splicing and does not affect the protein function (MAPP+PolyPhen-2 prior probability for pathogenicity: 0.077)(BP4). To our knowledge, neither clinical data nor functional studies have not been reported for this variant. In addition, the variant has been reported in ClinVar (2x uncertain significance) has not been identified neither in LOVD nor InSiGHT databases. Based on currently available information, the variant c.3595A>G is classified as a variant of unknown significance according to ClinGen-MMR Guidelines Draft v3.1.

Ambry Genetics
Classification: Uncertain significance for Hereditary cancer-predisposing syndrome. Last evaluated: 2024-01-11. Review status: criteria provided, single submitter. Criteria: Ambry Variant Classification Scheme 2023. Collection method: clinical testing. Allele origin: germline.
Comment: The p.S1199G variant (also known as c.3595A>G), located in coding exon 7 of the MSH6 gene, results from an A to G substitution at nucleotide position 3595. The serine at codon 1199 is replaced by glycine, an amino acid with similar properties. This amino acid position is conserved. In addition, this alteration is predicted to be deleterious by in silico analysis. Since supporting evidence is limited at this time, the clinical significance of this alteration remains unclear.

Color Diagnostics, LLC DBA Color Health
Classification: Uncertain significance for Hereditary cancer-predisposing syndrome. Last evaluated: 2023-12-05. Review status: criteria provided, single submitter. Criteria: ACMG Guidelines, 2015. Collection method: clinical testing. Allele origin: germline.
Comment: This missense variant replaces serine with glycine at codon 1199 of the MSH6 protein. Computational prediction suggests that this variant may have deleterious impact on protein structure and function (internally defined REVEL score threshold >= 0.7, PMID: 27666373). To our knowledge, functional studies have not been reported for this variant. This variant has not been reported in individuals affected with MSH6-related disorders in the literature. This variant has not been identified in the general population by the Genome Aggregation Database (gnomAD). The available evidence is insufficient to determine the role of this variant in disease conclusively. Therefore, this variant is classified as a Variant of Uncertain Significance.

NM_000179.3(MSH6):c.3595A>G (p.Ser1199Gly)

Gene: MSH6 (mutS homolog 6; plus strand). Cytogenetic location: 2p16.3.
Variant type: single nucleotide variant.
Coding change: c.3595A>G on transcript NM_000179.3 (MANE Select); coding-DNA position 3595, A replaced by G.
Protein change: p.Ser1199Gly; replaces serine 1199 with glycine.
Molecular consequence: missense variant.
Genome position (GRCh38, 1-based): chr2:47,805,656, A>G. VCF-style: chr2-47805656-A-G. GRCh37 (hg19) VCF-style: chr2-48032795-A-G.
Other names: c.3205A>G, p.Ser1069Gly (NM_001281492.2); c.2689A>G, p.Ser897Gly (NM_001281493.2, NM_001281494.2); short protein forms S1199G, S1069G, S897G.
Identifiers: ClinVar variation 630854 (VCV000630854.7), dbSNP rs1558390771, ClinGen allele CA346760544.